The following is an entry in ClinVar:

ClinVar aggregate classification (germline): Uncertain significance. Review status: criteria provided, multiple submitters, no conflicts (2 of 4 stars). 2 submissions from 2 submitters: Uncertain significance (2). Last evaluated 2023-11-09.

Conditions:
Inborn genetic diseases. Identifiers: MedGen C0950123, MeSH D030342.

Allele frequency attached by ClinVar (database versions not stated): gnomAD 0.00001; ExAC 0.00002; gnomAD exomes 0.00002; TOPMed 0.00002; ESP Exome Variant Server 0.00008.
gnomAD v4.1: 23 of 1,613,458 alleles (0.0014%); highest among the groups gnomAD compares: Non-Finnish European, 0.0019%; no homozygotes.

Submissions (2):

Ambry Genetics
Classification: Uncertain significance for Inborn genetic diseases. Last evaluated: 2023-11-09. Review status: criteria provided, single submitter. Criteria: Ambry Variant Classification Scheme 2023. Collection method: clinical testing. Allele origin: germline.

Labcorp Genetics (formerly Invitae), Labcorp
Classification: Uncertain significance. Last evaluated: 2022-07-19. Review status: criteria provided, single submitter. Criteria: Invitae Variant Classification Sherloc (09022015). Collection method: clinical testing. Allele origin: germline.
Comment: This sequence change replaces tyrosine, which is neutral and polar, with phenylalanine, which is neutral and non-polar, at codon 117 of the FAT4 protein (p.Tyr117Phe). This variant is present in population databases (rs371791194, gnomAD 0.003%). This variant has not been reported in the literature in individuals affected with FAT4-related conditions. Advanced modeling of protein sequence and biophysical properties (such as structural, functional, and spatial information, amino acid conservation, physicochemical variation, residue mobility, and thermodynamic stability) performed at Invitae indicates that this missense variant is not expected to disrupt FAT4 protein function. In summary, the available evidence is currently insufficient to determine the role of this variant in disease. Therefore, it has been classified as a Variant of Uncertain Significance.

NM_001291303.3(FAT4):c.350A>T (p.Tyr117Phe)

Gene: FAT4 (FAT atypical cadherin 4; plus strand). Cytogenetic location: 4q28.1.
Variant type: single nucleotide variant.
Coding change: c.350A>T on transcript NM_001291303.3 (MANE Select); coding-DNA position 350, A replaced by T.
Protein change: p.Tyr117Phe; replaces tyrosine 117 with phenylalanine.
Molecular consequence: missense variant.
Genome position (GRCh38, 1-based): chr4:125,316,761, A>T. VCF-style: chr4-125316761-A-T. GRCh37 (hg19) VCF-style: chr4-126237916-A-T.
Other names: c.350A>T, p.Tyr117Phe (NM_001291285.3, NM_024582.6); c.350A>T (NM_024582.4); short protein forms Y117F.
Identifiers: ClinVar variation 2163110 (VCV002163110.2), dbSNP rs371791194, ClinGen allele CA3071790.